The following is an entry in ClinVar:

ClinVar aggregate classification (germline): Uncertain significance (1 of 4 stars; one submission).

Conditions:
Hereditary cancer-predisposing syndrome. Also called: Neoplastic Syndromes, Hereditary; Tumor predisposition; Hereditary Cancer Syndrome; Hereditary neoplastic syndrome. Identifiers: Orphanet 140162, MedGen C0027672, MeSH D009386, MONDO:0015356.

Submission:

Color Diagnostics, LLC DBA Color Health
Classification: Uncertain significance for Hereditary cancer-predisposing syndrome. Last evaluated: 2024-07-01. Review status: criteria provided, single submitter. Criteria: ACMG Guidelines, 2015. Collection method: clinical testing. Allele origin: germline.
Comment: This missense variant replaces glutamine with histidine at codon 149 of the SMAD4 protein. Computational prediction is inconclusive regarding the impact of this variant on protein structure and function (internally defined REVEL score threshold 0.5 < inconclusive < 0.7, PMID: 27666373). To our knowledge, functional studies have not been reported for this variant. This variant has not been reported in individuals affected with SMAD4-related disorders in the literature. This variant has not been identified in the general population by the Genome Aggregation Database (gnomAD). The available evidence is insufficient to determine the role of this variant in disease conclusively. Therefore, this variant is classified as a Variant of Uncertain Significance.

NM_005359.6(SMAD4):c.447G>T (p.Gln149His)

Gene: SMAD4 (SMAD family member 4; plus strand). Cytogenetic location: 18q21.2.
Variant type: single nucleotide variant.
Coding change: c.447G>T on transcript NM_005359.6 (MANE Select); coding-DNA position 447, G replaced by T.
Protein change: p.Gln149His; replaces glutamine 149 with histidine.
Molecular consequence: missense variant. On other transcripts: non-coding transcript variant (2).
Genome position (GRCh38, 1-based): chr18:51,049,317, G>T. VCF-style: chr18-51049317-G-T. GRCh37 (hg19) VCF-style: chr18-48575687-G-T.
Other names: c.447G>T, p.Gln149His (NM_001407041.1, NM_001407042.1, NM_001407043.1); short protein forms Q149H.
Identifiers: ClinVar variation 3893965 (VCV003893965.1).